The following is an entry in ClinVar:

NM_177438.3(DICER1):c.5057C>T (p.Ala1686Val)

Gene: DICER1 (dicer 1, ribonuclease III; minus strand). Cytogenetic location: 14q32.13.
Variant type: single nucleotide variant.
Coding change: c.5057C>T on transcript NM_177438.3 (MANE Select); coding-DNA position 5057, C replaced by T.
Protein change: p.Ala1686Val; replaces alanine 1686 with valine.
Molecular consequence: missense variant.
Genome position (GRCh38, 1-based): chr14:95,095,863, G>A on the plus strand (C>T on the coding strand, the complement: DICER1 is on the minus strand). VCF-style: chr14-95095863-G-A. GRCh37 (hg19) VCF-style: chr14-95562200-G-A.
Other names: c.5057C>T, p.Ala1686Val (NM_001195573.1, NM_001271282.3, NM_001291628.2 and 1 more transcripts); short protein forms A1686V.
Identifiers: ClinVar variation 477237 (VCV000477237.11), dbSNP rs1555367498, ClinGen allele CA390865994.

ClinVar aggregate classification (germline): Uncertain significance. Review status: criteria provided, multiple submitters, no conflicts (2 of 4 stars). 2 submissions from 2 submitters: Uncertain significance (2). Last evaluated 2026-07-07.

Conditions:
DICER1-related tumor predisposition. Also called: DICER1 syndrome; DICER1-related pleuropulmonary blastoma cancer predisposition syndrome. Identifiers: Orphanet 284343, MedGen C3839822, MONDO:0100216.
Hereditary cancer-predisposing syndrome. Also called: Neoplastic Syndromes, Hereditary; Hereditary neoplastic syndrome; Hereditary Cancer Syndrome; Tumor predisposition. Identifiers: Orphanet 140162, MedGen C0027672, MeSH D009386, MONDO:0015356.

Submissions (2):

Ambry Genetics
Classification: Uncertain significance for Hereditary cancer-predisposing syndrome. Last evaluated: 2026-07-07. Review status: criteria provided, single submitter. Criteria: Ambry Variant Classification Scheme 2023. Collection method: clinical testing. Allele origin: germline.
Comment: The p.A1686V variant (also known as c.5057C>T), located in coding exon 22 of the DICER1 gene, results from a C to T substitution at nucleotide position 5057. The alanine at codon 1686 is replaced by valine, an amino acid with similar properties. This amino acid position is conserved. In addition, this alteration is predicted to be deleterious by in silico analysis. Based on the available evidence, the clinical significance of this variant remains unclear.

Labcorp Genetics (formerly Invitae), Labcorp
Classification: Uncertain significance for DICER1-related tumor predisposition. Last evaluated: 2025-12-08. Review status: criteria provided, single submitter. Criteria: Invitae Variant Classification Sherloc (09022015). Collection method: clinical testing. Allele origin: germline.
Comment: This sequence change replaces alanine, which is neutral and non-polar, with valine, which is neutral and non-polar, at codon 1686 of the DICER1 protein (p.Ala1686Val). This variant is not present in population databases (gnomAD no frequency). This variant has not been reported in the literature in individuals affected with DICER1-related conditions. ClinVar contains an entry for this variant (Variation ID: 477237). Invitae Evidence Modeling of protein sequence and biophysical properties (such as structural, functional, and spatial information, amino acid conservation, physicochemical variation, residue mobility, and thermodynamic stability) has been performed for this missense variant. However, the output from this modeling did not meet the statistical confidence thresholds required to predict the impact of this variant on DICER1 protein function. In summary, the available evidence is currently insufficient to determine the role of this variant in disease. Therefore, it has been classified as a Variant of Uncertain Significance.